The following is an entry in ClinVar:

NM_013275.6(ANKRD11):c.5578C>T (p.Pro1860Ser)

Gene: ANKRD11 (ankyrin repeat domain 11; minus strand). Cytogenetic location: 16q24.3.
Variant type: single nucleotide variant.
Coding change: c.5578C>T on transcript NM_013275.6 (MANE Select); coding-DNA position 5578, C replaced by T.
Protein change: p.Pro1860Ser; replaces proline 1860 with serine.
Molecular consequence: missense variant.
Genome position (GRCh38, 1-based): chr16:89,280,964, G>A on the plus strand (C>T on the coding strand, the complement: ANKRD11 is on the minus strand). VCF-style: chr16-89280964-G-A. GRCh37 (hg19) VCF-style: chr16-89347372-G-A.
Other names: c.5578C>T, p.Pro1860Ser (NM_001256182.2, NM_001256183.2); short protein forms P1860S.
Identifiers: ClinVar variation 588698 (VCV000588698.45), dbSNP rs144516367, ClinGen allele CA8241793.

ClinVar aggregate classification (germline): Benign/Likely benign. Review status: criteria provided, multiple submitters, no conflicts (2 of 4 stars). 9 submissions from 9 submitters: Benign (3); Likely benign (5). 1 of the submissions does not count toward it. Last evaluated 2026-01-05.

Conditions:
Inborn genetic diseases. Identifiers: MedGen C0950123, MeSH D030342.
KBG syndrome (KBGS). Also called: ANKRD11-Related KBG Syndrome. Identifiers: Orphanet 2332, MedGen C0220687, MONDO:0007846, OMIM 148050.
Vascular disorder. Identifiers: MedGen C0042373, MONDO:0005385.
ANKRD11-related disorder. Also called: ANKRD11-related condition.

Allele frequency attached by ClinVar (database versions not stated): gnomAD 0.00036 and 0.00042; 1000 Genomes Project 0.00040; 1000 Genomes Project 30x 0.00047; TOPMed 0.00049; gnomAD exomes 0.00056; ExAC 0.00071; ESP Exome Variant Server 0.00077.
gnomAD v4.1: 793 of 1,571,172 alleles (0.05%); highest among the groups gnomAD compares: Middle Eastern, 0.36%; 2 homozygotes.

Submissions (9):

Labcorp Genetics (formerly Invitae), Labcorp
Classification: Likely benign for KBG syndrome. Last evaluated: 2026-01-05. Review status: criteria provided, single submitter. Criteria: Invitae Variant Classification Sherloc (09022015). Collection method: clinical testing. Allele origin: germline.

CeGaT Center for Human Genetics Tuebingen
Classification: Likely benign. Last evaluated: 2025-12-01. Review status: criteria provided, single submitter. Criteria: CeGaT Center For Human Genetics Tuebingen Variant Classification Criteria Version 2. Collection method: clinical testing. Allele origin: germline. Affected: yes. Observed: 10 variant alleles.
Comment: ANKRD11: BS1

Blueprint Genetics
Classification: Likely benign. Last evaluated: 2024-11-26. Review status: criteria provided, single submitter. Criteria: ACMG Guidelines, 2015. Collection method: clinical testing. Allele origin: germline.

Genome-Nilou Lab
Classification: Benign for KBG syndrome. Last evaluated: 2021-12-05. Review status: criteria provided, single submitter. Criteria: ACMG Guidelines, 2015. Collection method: clinical testing. Allele origin: germline. Affected: no.

GeneDx
Classification: Benign. Last evaluated: 2021-01-11. Review status: criteria provided, single submitter. Criteria: GeneDx Variant Classification Process June 2021. Collection method: clinical testing. Allele origin: germline. Affected: yes.

Cambridge Genomics Laboratory, East Genomic Laboratory Hub, NHS Genomic Medicine Service
Classification: Benign for Vascular disorder. Last evaluated: 2019-08-08. Review status: criteria provided, single submitter. Criteria: ACGS Best Practice Guidelines for Variant Classification in Rare Disease 2020. Collection method: clinical testing. Allele origin: germline. Affected: yes. Observed: 1 variant allele.

Ambry Genetics
Classification: Likely benign for Inborn genetic diseases. Last evaluated: 2018-01-31. Review status: criteria provided, single submitter. Criteria: Ambry Variant Classification Scheme 2023. Collection method: clinical testing. Allele origin: germline.

Breakthrough Genomics
Classification: Likely benign. Review status: criteria provided, single submitter. Criteria: ACMG Guidelines, 2015. Collection method: not provided. Allele origin: germline. Inheritance: Autosomal dominant inheritance. Affected: yes.

PreventionGenetics, part of Exact Sciences
Classification: Likely benign for ANKRD11-related condition. Last evaluated: 2021-01-20. Review status: no assertion criteria provided. Collection method: clinical testing. Allele origin: germline. Not counted in ClinVar's aggregate classification.
Comment: This variant is classified as likely benign based on ACMG/AMP sequence variant interpretation guidelines (Richards et al. 2015 PMID: 25741868, with internal and published modifications).